The following is an entry in ClinVar:

ClinVar aggregate classification (germline): Uncertain significance. Review status: criteria provided, multiple submitters, no conflicts (2 of 4 stars). 4 submissions from 3 submitters: Uncertain significance (4). Last evaluated 2025-01-30.

Conditions:
Developmental and epileptic encephalopathy, 14 (DEE14). Also called: Early infantile epileptic encephalopathy 14. Identifiers: Orphanet 293181, MedGen C3554195, MONDO:0013989, OMIM 614959.
Autosomal dominant nocturnal frontal lobe epilepsy 5. Also called: CILIARY DYSKINESIA, PRIMARY, 28, WITH SITUS INVERSUS; KCNT1-Related Epilepsy; CILIARY DYSKINESIA, PRIMARY, 28, WITHOUT SITUS INVERSUS; Epilepsy, nocturnal frontal lobe, 5. Identifiers: Orphanet 98784, MedGen C3554306, MONDO:0014002, OMIM 615005.

Allele frequency attached by ClinVar (database versions not stated): gnomAD 0.00002 and 0.00004; TOPMed 0.00007; 1000 Genomes Project 30x 0.00016; 1000 Genomes Project 0.00020; ExAC 0.00001.
gnomAD v4.1: 15 of 1,612,964 alleles (0.00093%); highest among the groups gnomAD compares: East Asian, 0.029%; no homozygotes.

Submissions (4):

Labcorp Genetics (formerly Invitae), Labcorp
Classification: Uncertain significance for Autosomal dominant nocturnal frontal lobe epilepsy 5; Developmental and epileptic encephalopathy, 14. Last evaluated: 2025-01-30. Review status: criteria provided, single submitter. Criteria: Invitae Variant Classification Sherloc (09022015). Collection method: clinical testing. Allele origin: germline.
Comment: This sequence change replaces glycine, which is neutral and non-polar, with valine, which is neutral and non-polar, at codon 652 of the KCNT1 protein (p.Gly652Val). This variant is present in population databases (rs536588045, gnomAD 0.03%). This missense change has been observed in individuals with clinical features of KCNT1-related conditions (PMID: 27578169; internal data). ClinVar contains an entry for this variant (Variation ID: 932412). Invitae Evidence Modeling of protein sequence and biophysical properties (such as structural, functional, and spatial information, amino acid conservation, physicochemical variation, residue mobility, and thermodynamic stability) indicates that this missense variant is not expected to disrupt KCNT1 protein function with a negative predictive value of 80%. Experimental studies are conflicting or provide insufficient evidence to determine the effect of this variant on KCNT1 function (PMID: 37177976). In summary, the available evidence is currently insufficient to determine the role of this variant in disease. Therefore, it has been classified as a Variant of Uncertain Significance.

Genome-Nilou Lab
Classification: Uncertain significance for Developmental and epileptic encephalopathy, 14. Last evaluated: 2022-03-15. Review status: criteria provided, single submitter. Criteria: ACMG Guidelines, 2015. Collection method: clinical testing. Allele origin: germline. Affected: no.

Genome-Nilou Lab
Classification: Uncertain significance for Autosomal dominant nocturnal frontal lobe epilepsy 5. Last evaluated: 2022-03-15. Review status: criteria provided, single submitter. Criteria: ACMG Guidelines, 2015. Collection method: clinical testing. Allele origin: germline. Affected: no.

CeGaT Center for Human Genetics Tuebingen
Classification: Uncertain significance. Last evaluated: 2020-05-01. Review status: criteria provided, single submitter. Criteria: CeGaT Center For Human Genetics Tuebingen Variant Classification Criteria Version 2. Collection method: clinical testing. Allele origin: germline. Affected: yes. Observed: 1 variant allele.

Literature cited by the submitters: PubMed 27578169 (cited by Labcorp Genetics (formerly Invitae), Labcorp); PubMed 37177976 (cited by Labcorp Genetics (formerly Invitae), Labcorp).

NM_020822.3(KCNT1):c.1955G>T (p.Gly652Val)

Gene: KCNT1 (potassium sodium-activated channel subfamily T member 1; plus strand). Cytogenetic location: 9q34.3.
Variant type: single nucleotide variant.
Coding change: c.1955G>T on transcript NM_020822.3 (MANE Select); coding-DNA position 1955, G replaced by T.
Protein change: p.Gly652Val; replaces glycine 652 with valine.
Molecular consequence: missense variant.
Genome position (GRCh38, 1-based): chr9:135,771,042, G>T. VCF-style: chr9-135771042-G-T. GRCh37 (hg19) VCF-style: chr9-138662888-G-T.
Other names: c.1820G>T, p.Gly607Val (NM_001272003.2); short protein forms G607V, G652V.
Identifiers: ClinVar variation 932412 (VCV000932412.46), dbSNP rs536588045, ClinGen allele CA5327116.